The following is an entry in ClinVar:

NM_014806.5(RUSC2):c.722_727dup (p.Ser243Ter)

Gene: RUSC2 (RUN and SH3 domain containing 2; plus strand). Cytogenetic location: 9p13.3.
Variant type: Duplication.
Coding change: c.722_727dup on transcript NM_014806.5 (MANE Select); coding-DNA positions 722 to 727, 6 bases duplicated (GATGCT; older notation c.722_727dupGATGCT).
Protein change: p.Ser243Ter; replaces serine 243 with a stop codon.
Molecular consequence: nonsense. On other transcripts: non-coding transcript variant (1), intron variant (1).
Genome position (GRCh38, 1-based): chr9:35,547,243-35,547,248, GATGCT duplicated. VCF-style (leftmost placement, unchanged base first): chr9-35547242-G-GGATGCT. GRCh37 (hg19) VCF-style: chr9-35547239-G-GGATGCT.
Other names: c.722_727dup, p.Ser243Ter (NM_001135999.2); c.-620-7817_-620-7812dup (NM_001330740.2); short protein forms S243*.
Identifiers: ClinVar variation 1431109 (VCV001431109.7), dbSNP rs2132552420, ClinGen allele CA2573144606.
Genomic context (GRCh38, chr9:35,547,242, plus strand): 5'-TCTGGCTTTTCCTTTGACCAGGAATGGAAGCTCAGTTCAGATGAATCCCCAAGGAACCCT[G>GGATGCT]GATGCTCCGGCTCAGGGGACCAGCACTGCCGCTGCAGTAGCACATCCAGTCAGTCCGAGG-3'

ClinVar aggregate classification (germline): Pathogenic (1 of 4 stars; one submission).

Submission:

Labcorp Genetics (formerly Invitae), Labcorp
Classification: Pathogenic. Last evaluated: 2023-12-12. Review status: criteria provided, single submitter. Criteria: Invitae Variant Classification Sherloc (09022015). Collection method: clinical testing. Allele origin: germline.
Comment: This sequence change creates a premature translational stop signal (p.Ser243*) in the RUSC2 gene. It is expected to result in an absent or disrupted protein product. Loss-of-function variants in RUSC2 are known to be pathogenic (PMID: 27612186). This variant is not present in population databases (gnomAD no frequency). This variant has not been reported in the literature in individuals affected with RUSC2-related conditions. ClinVar contains an entry for this variant (Variation ID: 1431109). For these reasons, this variant has been classified as Pathogenic.

Literature cited by the submitters: PubMed 27612186.